The following is an entry in ClinVar:

ClinVar aggregate classification (germline): Uncertain significance (1 of 4 stars; one submission).

Conditions:
Familial isolated arrhythmogenic right ventricular dysplasia. Identifiers: Orphanet 217656, MedGen C4274968, MONDO:0016342.

Submission:

All of Us Research Program, National Institutes of Health
Classification: Uncertain significance for Familial isolated arrhythmogenic right ventricular dysplasia. Last evaluated: 2023-12-13. Review status: criteria provided, single submitter. Criteria: ACMG Guidelines, 2015. Collection method: clinical testing. Allele origin: germline. Inheritance: Autosomal dominant inheritance. Observed: 1 variant allele, 1 heterozygote.
Comment: This missense variant replaces arginine with threonine at codon 174 of the DSC2 protein. Computational prediction suggests that this variant may not impact protein structure and function (internally defined REVEL score threshold <= 0.5, PMID: 27666373). To our knowledge, functional studies have not been reported for this variant. This variant has not been reported in individuals affected with DSC2-related disorders in the literature. This variant has not been identified in the general population by the Genome Aggregation Database (gnomAD). The available evidence is insufficient to determine the role of this variant in disease conclusively. Therefore, this variant is classified as a Variant of Uncertain Significance.

This study involves interpretation of variants in research participants for the purpose of population health screening. Participant phenotype was not available at the time of variant classification. Additional details can be found in publication PMID: 35346344, PMCID: PMC8962531

NM_024422.6(DSC2):c.521G>C (p.Arg174Thr)

Gene: DSC2 (desmocollin 2; minus strand). Cytogenetic location: 18q12.1.
Variant type: single nucleotide variant.
Coding change: c.521G>C on transcript NM_024422.6 (MANE Select); coding-DNA position 521, G replaced by C.
Protein change: p.Arg174Thr; replaces arginine 174 with threonine.
Molecular consequence: missense variant.
Genome position (GRCh38, 1-based): chr18:31,089,548, C>G on the plus strand (G>C on the coding strand, the complement: DSC2 is on the minus strand). VCF-style: chr18-31089548-C-G. GRCh37 (hg19) VCF-style: chr18-28669511-C-G.
Other names: c.92G>C, p.Arg31Thr (NM_001406506.1, NM_001406507.1); c.521G>C, p.Arg174Thr (NM_004949.5); short protein forms R174T, R31T.
Identifiers: ClinVar variation 3075026 (VCV003075026.1), dbSNP rs2144839056, ClinGen allele CA402113690.